The following is an entry in ClinVar:

ClinVar aggregate classification (germline): Uncertain significance (1 of 4 stars; one submission).

Conditions:
Granulomatous disease, chronic, autosomal recessive, cytochrome b-negative. Also called: GRANULOMATOUS DISEASE, CHRONIC, AUTOSOMAL RECESSIVE, 4; Chronic granulomatous disease, autosomal, due to deficiency of CYBA; CGD DUE TO DEFICIENCY OF THE ALPHA SUBUNIT OF CYTOCHROME b; CGD, AUTOSOMAL RECESSIVE CYTOCHROME b-NEGATIVE; CYBA DEFICIENCY. Identifiers: Orphanet 379, MedGen C1856255, MONDO:0009308, OMIM 233690.

Allele frequency attached by ClinVar (database versions not stated): gnomAD exomes below 0.00001; gnomAD 0.00001; TOPMed 0.00001.
gnomAD v4.1: 2 of 1,611,390 alleles (0.00012%); highest among the groups gnomAD compares: Non-Finnish European, 0.00017%; no homozygotes.

Submission:

Labcorp Genetics (formerly Invitae), Labcorp
Classification: Uncertain significance for Granulomatous disease, chronic, autosomal recessive, cytochrome b-negative. Last evaluated: 2021-11-14. Review status: criteria provided, single submitter. Criteria: Invitae Variant Classification Sherloc (09022015). Collection method: clinical testing. Allele origin: germline.
Comment: This sequence change replaces glycine, which is neutral and non-polar, with arginine, which is basic and polar, at codon 57 of the CYBA protein (p.Gly57Arg). This variant is not present in population databases (gnomAD no frequency). This variant has not been reported in the literature in individuals affected with CYBA-related conditions. Algorithms developed to predict the effect of missense changes on protein structure and function (SIFT, PolyPhen-2, Align-GVGD) all suggest that this variant is likely to be disruptive. In summary, the available evidence is currently insufficient to determine the role of this variant in disease. Therefore, it has been classified as a Variant of Uncertain Significance.

NM_000101.4(CYBA):c.169G>A (p.Gly57Arg)

Gene: CYBA (cytochrome b-245 alpha chain; minus strand). Cytogenetic location: 16q24.2.
Variant type: single nucleotide variant.
Coding change: c.169G>A on transcript NM_000101.4 (MANE Select); coding-DNA position 169, G replaced by A.
Protein change: p.Gly57Arg; replaces glycine 57 with arginine.
Molecular consequence: missense variant.
Genome position (GRCh38, 1-based): chr16:88,647,135, C>T on the plus strand (G>A on the coding strand, the complement: CYBA is on the minus strand). VCF-style: chr16-88647135-C-T. GRCh37 (hg19) VCF-style: chr16-88713543-C-T.
Other names: short protein forms G57R.
Identifiers: ClinVar variation 1414387 (VCV001414387.3), dbSNP rs1237822473, ClinGen allele CA397065001.
Genomic context (GRCh38, chr16:88,647,135, plus strand): 5'-AGACCCCAGAGCAGGAGGAGACTCACCAGCGCTCCATGGTGGAGCCCTTCTTCCTCTTCC[C>T]CCGGGGGTACTCCAGCAGGCACACAAACACGCCCGCCACACTGAAGCCATGTGGTTAAGG-3'
Protein context (NP_000092.2, residues 47-67): VFVCLLEYPR[Gly57Arg]KRKKGSTMER